The following is an entry in ClinVar:

NM_014208.3(DSPP):c.1081A>G (p.Lys361Glu)

Genes: DMP1-AS1 (DMP1 and DSPP antisense RNA 1; minus strand), DSPP (dentin sialophosphoprotein; plus strand). Cytogenetic location: 4q22.1.
Variant type: single nucleotide variant.
Coding change: c.1081A>G on transcript NM_014208.3 (MANE Select); coding-DNA position 1081, A replaced by G.
Protein change: p.Lys361Glu; replaces lysine 361 with glutamic acid.
Molecular consequence: missense variant.
Genome position (GRCh38, 1-based): chr4:87,613,267, A>G. VCF-style: chr4-87613267-A-G. GRCh37 (hg19) VCF-style: chr4-88534419-A-G.
Other names: short protein forms K361E.
Identifiers: ClinVar variation 4015130 (VCV004015130.2).

ClinVar aggregate classification (germline): Conflicting classifications of pathogenicity. Review status: criteria provided, conflicting classifications (1 of 4 stars). 2 submissions from 2 submitters: Uncertain significance (1); Likely benign (1). Last evaluated 2025-07-13.

Conditions:
Inborn genetic diseases. Identifiers: MedGen C0950123, MeSH D030342.

gnomAD v4.1: 9 of 1,613,716 alleles (0.00056%); highest among the groups gnomAD compares: Admixed American, 0.013%; no homozygotes.

Submissions (2):

Labcorp Genetics (formerly Invitae), Labcorp
Classification: Uncertain significance. Last evaluated: 2025-07-13. Review status: criteria provided, single submitter. Criteria: Invitae Variant Classification Sherloc (09022015). Collection method: clinical testing. Allele origin: germline.
Comment: This sequence change replaces lysine, which is basic and polar, with glutamic acid, which is acidic and polar, at codon 361 of the DSPP protein (p.Lys361Glu). This variant is present in population databases (rs746360911, gnomAD 0.03%). This variant has not been reported in the literature in individuals affected with DSPP-related conditions. An algorithm developed to predict the effect of missense changes on protein structure and function outputs the following: PolyPhen-2: "Benign". The glutamic acid amino acid residue is found in multiple mammalian species, which suggests that this missense change does not adversely affect protein function. In summary, the available evidence is currently insufficient to determine the role of this variant in disease. Therefore, it has been classified as a Variant of Uncertain Significance.

Ambry Genetics
Classification: Likely benign for Inborn genetic diseases. Last evaluated: 2025-05-01. Review status: criteria provided, single submitter. Criteria: Ambry Variant Classification Scheme 2023. Collection method: clinical testing. Allele origin: germline.